The following is an entry in ClinVar:

ClinVar aggregate classification (germline): Uncertain significance (1 of 4 stars; one submission).

Submission:

Labcorp Genetics (formerly Invitae), Labcorp
Classification: Uncertain significance. Last evaluated: 2022-01-03. Review status: criteria provided, single submitter. Criteria: Invitae Variant Classification Sherloc (09022015). Collection method: clinical testing. Allele origin: germline.
Comment: This variant is not present in population databases (gnomAD no frequency). This variant has not been reported in the literature in individuals affected with NTHL1-related conditions. Experimental studies and prediction algorithms are not available or were not evaluated, and the effect of this variant on mRNA splicing is currently unknown. In summary, the available evidence is currently insufficient to determine the role of this variant in disease. Therefore, it has been classified as a Variant of Uncertain Significance. This sequence change falls in intron 4 of the NTHL1 gene. It does not directly change the encoded amino acid sequence of the NTHL1 protein.

NM_002528.7(NTHL1):c.686-41_686-10del

Gene: NTHL1 (nth like DNA glycosylase 1; minus strand). Cytogenetic location: 16p13.3.
Variant type: Deletion.
Coding change: c.686-41_686-10del on transcript NM_002528.7 (MANE Select); 41 bases into the intron before coding-DNA position 686 through 10 bases into the intron before coding-DNA position 686, 32 bases deleted.
Molecular consequence: intron variant.
Genome position (GRCh38, 1-based): chr16:2,040,248-2,040,279, 32 bases deleted. GRCh37 (hg19): chr16:2,090,249-2,090,280.
Other names: c.356-41_356-10del (NM_001318194.2); c.515-41_515-10del (NM_001318193.2).
Identifiers: ClinVar variation 2071872 (VCV002071872.4), dbSNP rs2548312158, ClinGen allele CA2580090535.